The following is an entry in ClinVar:

NM_001127464.1:c.7597G>A

Gene: ZNF469 (zinc finger protein 469; plus strand).
Variant type: single nucleotide variant.
Identifiers: ClinVar variation 4615450 (VCV004615450.1).

ClinVar aggregate classification (germline): Uncertain significance (1 of 4 stars; one submission).

Conditions:
Cardiovascular phenotype. Identifiers: MedGen CN230736.

Submission:

Ambry Genetics
Classification: Uncertain significance for Cardiovascular phenotype. Last evaluated: 2025-10-05. Review status: criteria provided, single submitter. Criteria: Ambry Variant Classification Scheme 2023. Collection method: clinical testing. Allele origin: germline.
Comment: The p.V2533I variant (also known as c.7597G>A), located in coding exon 2 of the ZNF469 gene, results from a G to A substitution at nucleotide position 7597. The valine at codon 2533 is replaced by isoleucine, an amino acid with highly similar properties. This amino acid position is conserved. In addition, this alteration is predicted to be tolerated by in silico analysis. Based on the available evidence, the clinical significance of this variant remains unclear.